The following is an entry in ClinVar:

NM_005450.6(NOG):c.340G>A (p.Gly114Arg)

Gene: NOG (noggin; plus strand). Cytogenetic location: 17q22.
Variant type: single nucleotide variant.
Coding change: c.340G>A on transcript NM_005450.6 (MANE Select); coding-DNA position 340, G replaced by A.
Protein change: p.Gly114Arg; replaces glycine 114 with arginine.
Molecular consequence: missense variant.
Genome position (GRCh38, 1-based): chr17:56,594,563, G>A. VCF-style: chr17-56594563-G-A. GRCh37 (hg19) VCF-style: chr17-54671924-G-A.
Other names: short protein forms G114R.
Identifiers: ClinVar variation 424371 (VCV000424371.4), dbSNP rs1064796941, ClinGen allele CA16620485.
Genomic context (GRCh38, chr17:56,594,563, plus strand): 5'-GCAGCTGGGGGCGCGGAGGACCTGGCGGAGCTGGACCAGCTGCTGCGGCAGCGGCCGTCG[G>A]GGGCCATGCCGAGCGAGATCAAAGGGCTAGAGTTCTCCGAGGGCTTGGCCCAGGGCAAGA-3'
Protein context (NP_005441.1, residues 104-124): LDQLLRQRPS[Gly114Arg]AMPSEIKGLE

ClinVar aggregate classification (germline): Likely pathogenic (1 of 4 stars; one submission).

Submission:

GeneDx
Classification: Likely pathogenic. Last evaluated: 2021-06-17. Review status: criteria provided, single submitter. Criteria: GeneDx Variant Classification Process June 2021. Collection method: clinical testing. Allele origin: germline. Affected: yes.
Comment: In silico analysis supports that this missense variant has a deleterious effect on protein structure/function; Has not been previously published as pathogenic or benign to our knowledge; This variant is associated with the following publications: (PMID: 27535533)